The following is an entry in ClinVar:

NM_024537.4(CARS2):c.238C>A (p.Pro80Thr)

Gene: CARS2 (cysteinyl-tRNA synthetase 2, mitochondrial; minus strand). Cytogenetic location: 13q34.
Variant type: single nucleotide variant.
Coding change: c.238C>A on transcript NM_024537.4 (MANE Select); coding-DNA position 238, C replaced by A.
Protein change: p.Pro80Thr; replaces proline 80 with threonine.
Molecular consequence: missense variant. On other transcripts: 5 prime UTR variant (1), non-coding transcript variant (2).
Genome position (GRCh38, 1-based): chr13:110,705,558, G>T on the plus strand (C>A on the coding strand, the complement: CARS2 is on the minus strand). VCF-style: chr13-110705558-G-T. GRCh37 (hg19) VCF-style: chr13-111357905-G-T.
Other names: c.-762C>A (NM_001352252.2); c.238C>A, p.Pro80Thr (NM_001352253.3); short protein forms P80T.
Identifiers: ClinVar variation 565491 (VCV000565491.8), dbSNP rs1408025958, ClinGen allele CA388742371.

ClinVar aggregate classification (germline): Uncertain significance (1 of 4 stars; one submission).

Conditions:
Combined oxidative phosphorylation defect type 27. Also called: Combined oxidative phosphorylation deficiency 27. Identifiers: Orphanet 477774, MedGen C5567608, MONDO:0014728, OMIM 616672.

Submission:

Labcorp Genetics (formerly Invitae), Labcorp
Classification: Uncertain significance for Combined oxidative phosphorylation defect type 27. Last evaluated: 2018-02-26. Review status: criteria provided, single submitter. Criteria: Invitae Variant Classification Sherloc (09022015). Collection method: clinical testing. Allele origin: germline.
Comment: In summary, the available evidence is currently insufficient to determine the role of this variant in disease. Therefore, it has been classified as a Variant of Uncertain Significance. Algorithms developed to predict the effect of missense changes on protein structure and function (SIFT, PolyPhen-2, Align-GVGD) all suggest that this variant is likely to be disruptive, but these predictions have not been confirmed by published functional studies and their clinical significance is uncertain. This variant has not been reported in the literature in individuals with CARS2-related disease. This variant is not present in population databases (ExAC no frequency). This sequence change replaces proline with threonine at codon 80 of the CARS2 protein (p.Pro80Thr). The proline residue is highly conserved and there is a small physicochemical difference between proline and threonine.